The following is an entry in ClinVar:

NM_207122.2(EXT2):c.245A>C (p.Asp82Ala)

Gene: EXT2 (exostosin glycosyltransferase 2; plus strand). Cytogenetic location: 11p11.2.
Variant type: single nucleotide variant.
Coding change: c.245A>C on transcript NM_207122.2 (MANE Select); coding-DNA position 245, A replaced by C.
Protein change: p.Asp82Ala; replaces aspartic acid 82 with alanine.
Molecular consequence: missense variant.
Genome position (GRCh38, 1-based): chr11:44,107,957, A>C. VCF-style: chr11-44107957-A-C. GRCh37 (hg19) VCF-style: chr11-44129507-A-C.
Other names: c.344A>C, p.Asp115Ala (NM_000401.3); c.245A>C, p.Asp82Ala (NM_001178083.3, NM_001389628.1, NM_001389630.1); short protein forms D115A, D82A.
Identifiers: ClinVar variation 304575 (VCV000304575.17), dbSNP rs534539796, ClinGen allele CA5954848.

ClinVar aggregate classification (germline): Conflicting classifications of pathogenicity. Review status: criteria provided, conflicting classifications (1 of 4 stars). 4 submissions from 4 submitters: Uncertain significance (1); Likely benign (2). 1 of the submissions does not count toward it. Last evaluated 2025-11-03.

Conditions:
Inborn genetic diseases. Identifiers: MedGen C0950123, MeSH D030342.
Exostoses, multiple, type 2 (EXT2). Also called: Hereditary Multiple Osteochondromatosis, Type II; EXOSTOSES, MULTIPLE, TYPE II. Identifiers: Orphanet 321, MedGen C1851413, MONDO:0007586, OMIM 133701.

Allele frequency attached by ClinVar (database versions not stated): gnomAD below 0.00001 and 0.00003; TOPMed below 0.00001; gnomAD exomes 0.00005 and 0.00006; ExAC 0.00007; 1000 Genomes Project 30x 0.00031; 1000 Genomes Project 0.00040.
gnomAD v4.1: 74 of 1,614,094 alleles (0.0046%); highest among the groups gnomAD compares: South Asian, 0.079%; 2 homozygotes.

Submissions (4):

Labcorp Genetics (formerly Invitae), Labcorp
Classification: Likely benign for Exostoses, multiple, type 2. Last evaluated: 2025-11-03. Review status: criteria provided, single submitter. Criteria: Invitae Variant Classification Sherloc (09022015). Collection method: clinical testing. Allele origin: germline.

Ambry Genetics
Classification: Uncertain significance for Inborn genetic diseases. Last evaluated: 2025-08-29. Review status: criteria provided, single submitter. Criteria: Ambry Variant Classification Scheme 2023. Collection method: clinical testing. Allele origin: germline.

Illumina Laboratory Services, Illumina
Classification: Likely benign for Exostoses, multiple, type 2. Last evaluated: 2017-04-27. Review status: criteria provided, single submitter. Criteria: ICSL Variant Classification Criteria 13 December 2019. Collection method: clinical testing. Allele origin: germline.
Comment: This variant was observed as part of a predisposition screen in an ostensibly healthy population. A literature search was performed for the gene, cDNA change, and amino acid change (where applicable). No publications were found based on this search. Allele frequency data from public databases allowed determination this variant is unlikely to cause disease. Therefore, this variant is classified as likely benign.

Department of Pathology and Laboratory Medicine, Sinai Health System
Classification: Uncertain significance. Review status: no assertion criteria provided. Collection method: clinical testing. Allele origin: unknown. Affected: yes. Study: The Canadian Open Genetics Repository (COGR). Not counted in ClinVar's aggregate classification.
Comment: The EXT2 p.Asp115Ala variant was not identified in the literature but was identified in dbSNP (ID: rs534539796) and ClinVar (classified as likely benign by Illumina). The variant was identified in control databases in 14 of 251264 chromosomes at a frequency of 0.00005572 (Genome Aggregation Database March 6, 2019, v2.1.1). The variant was observed in the South Asian population in 14 of 30614 chromosomes (freq: 0.000457), but was not observed in the African, Latino, Ashkenazi Jewish, East Asian, European (Finnish), European (non-Finnish), or Other populations. The p.Asp115 residue is conserved in mammals and computational analyses (PolyPhen-2, SIFT, AlignGVGD, BLOSUM, MutationTaster) provide inconsistent predictions regarding the impact to the protein; this information is not very predictive of pathogenicity. The variant occurs outside of the splicing consensus sequence and three of four in silico or computational prediction software programs (SpliceSiteFinder, MaxEntScan, NNSPLICE, GeneSplicer) do not predict a greater than 10% difference in splicing; this is not very predictive of pathogenicity. In summary, based on the above information the clinical significance of this variant cannot be determined with certainty at this time. This variant is classified as a variant of uncertain significance.